The following is an entry in ClinVar:

NM_000051.4(ATM):c.6505C>G (p.Leu2169Val)

Genes: ATM (ATM serine/threonine kinase; plus strand), C11orf65 (chromosome 11 open reading frame 65; minus strand). Cytogenetic location: 11q22.3.
Variant type: single nucleotide variant.
Coding change: c.6505C>G on transcript NM_000051.4 (MANE Select); coding-DNA position 6505, C replaced by G.
Protein change: p.Leu2169Val; replaces leucine 2169 with valine.
Molecular consequence: missense variant. On other transcripts: intron variant (2).
Genome position (GRCh38, 1-based): chr11:108,321,353, C>G. VCF-style: chr11-108321353-C-G. GRCh37 (hg19) VCF-style: chr11-108192080-C-G.
Other names: c.6505C>G, p.Leu2169Val (NM_001351834.2); c.641-12282G>C (NM_001330368.2); c.*39-12282G>C (NM_001351110.2); short protein forms L2169V.
Identifiers: ClinVar variation 419866 (VCV000419866.52), dbSNP rs1064794157, ClinGen allele CA16619215.

ClinVar aggregate classification (germline): Uncertain significance. Review status: criteria provided, multiple submitters, no conflicts (2 of 4 stars). 4 submissions from 4 submitters: Uncertain significance (4). Last evaluated 2025-09-14.

Conditions:
Hereditary cancer-predisposing syndrome. Also called: Neoplastic Syndromes, Hereditary; Hereditary Cancer Syndrome; Tumor predisposition; Hereditary neoplastic syndrome. Identifiers: Orphanet 140162, MedGen C0027672, MeSH D009386, MONDO:0015356.
Ataxia-telangiectasia syndrome (AT). Also called: LOUIS-BAR SYNDROME; Cerebello-oculocutaneous telangiectasia; Immunodeficiency with ataxia telangiectasia; Ataxia-telangiectasia, complementation group D; AT, COMPLEMENTATION GROUP C; Ataxia-telangiectasia, complementation group E. Identifiers: Orphanet 100, MedGen C0004135, MONDO:0008840, OMIM 208900.

Allele frequency attached by ClinVar (database versions not stated): TOPMed below 0.00001; gnomAD exomes 0.00001; gnomAD 0.00001.
gnomAD v4.1: 1 of 1,614,074 alleles (0.000062%); highest among the groups gnomAD compares: African/African-American, 0.0013%; no homozygotes.

Submissions (4):

Labcorp Genetics (formerly Invitae), Labcorp
Classification: Uncertain significance for Ataxia-telangiectasia syndrome. Last evaluated: 2025-09-14. Review status: criteria provided, single submitter. Criteria: Invitae Variant Classification Sherloc (09022015). Collection method: clinical testing. Allele origin: germline.
Comment: This sequence change replaces leucine, which is neutral and non-polar, with valine, which is neutral and non-polar, at codon 2169 of the ATM protein (p.Leu2169Val). This variant is present in population databases (no rsID available, gnomAD 0.01%). This variant has not been reported in the literature in individuals affected with ATM-related conditions. ClinVar contains an entry for this variant (Variation ID: 419866). Invitae Evidence Modeling of protein sequence and biophysical properties (such as structural, functional, and spatial information, amino acid conservation, physicochemical variation, residue mobility, and thermodynamic stability) indicates that this missense variant is not expected to disrupt ATM protein function with a negative predictive value of 95%. In summary, the available evidence is currently insufficient to determine the role of this variant in disease. Therefore, it has been classified as a Variant of Uncertain Significance.

Ambry Genetics
Classification: Uncertain significance for Hereditary cancer-predisposing syndrome. Last evaluated: 2025-07-03. Review status: criteria provided, single submitter. Criteria: Ambry Variant Classification Scheme 2023. Collection method: clinical testing. Allele origin: germline.
Comment: The p.L2169V variant (also known as c.6505C>G), located in coding exon 44 of the ATM gene, results from a C to G substitution at nucleotide position 6505. The leucine at codon 2169 is replaced by valine, an amino acid with highly similar properties. This amino acid position is highly conserved in available vertebrate species. In addition, this alteration is predicted to be tolerated by in silico analysis. Since supporting evidence is limited at this time, the clinical significance of this alteration remains unclear.

Color Diagnostics, LLC DBA Color Health
Classification: Uncertain significance for Hereditary cancer-predisposing syndrome. Last evaluated: 2025-06-09. Review status: criteria provided, single submitter. Criteria: ACMG Guidelines, 2015. Collection method: clinical testing. Allele origin: germline.
Comment: This missense variant replaces leucine with valine at codon 2169 of the ATM protein. Computational prediction suggests that this variant may not impact protein structure and function. To our knowledge, functional studies have not been reported for this variant. This variant has not been reported in individuals affected with ATM-related disorders in the literature. This variant has been identified in 2/251450 chromosomes in the general population by the Genome Aggregation Database (gnomAD). The available evidence is insufficient to determine the role of this variant in disease conclusively. Therefore, this variant is classified as a Variant of Uncertain Significance.

GeneDx
Classification: Uncertain significance. Last evaluated: 2017-11-22. Review status: criteria provided, single submitter. Criteria: GeneDx Variant Classification (06012015). Collection method: clinical testing. Allele origin: germline. Affected: yes.
Comment: This variant is denoted ATM c.6505C>G at the cDNA level, p.Leu2169Val (L2169V) at the protein level, and results in the change of a Leucine to a Valine (CTC>GTC). This variant has not, to our knowledge, been published in the literature as pathogenic or benign. ATM Leu2169Val was not observed at a significant allele frequency in large population cohorts (Lek 2016). Since Leucine and Valine share similar properties, this is considered a conservative amino acid substitution. ATM Leu2169Val is located in the FAT domain (Stracker 2013). In-silico analyses, including protein predictors and evolutionary conservation, support that this variant does not alter protein structure or function. Based on currently available evidence, it is unclear whether ATM Leu2169Val is a pathogenic or benign variant. We consider it to be a variant of uncertain significance.